The following is an entry in ClinVar:

ClinVar aggregate classification (germline): Uncertain significance (1 of 4 stars; one submission).

Allele frequency attached by ClinVar (database versions not stated): gnomAD exomes 0.00001.
gnomAD v4.1: 2 of 1,514,630 alleles (0.00013%); highest among the groups gnomAD compares: Admixed American, 0.0045%; no homozygotes.

Submission:

Labcorp Genetics (formerly Invitae), Labcorp
Classification: Uncertain significance. Last evaluated: 2023-05-15. Review status: criteria provided, single submitter. Criteria: Invitae Variant Classification Sherloc (09022015). Collection method: clinical testing. Allele origin: germline.
Comment: In summary, the available evidence is currently insufficient to determine the role of this variant in disease. Therefore, it has been classified as a Variant of Uncertain Significance. Algorithms developed to predict the effect of missense changes on protein structure and function output the following: SIFT: "Not Available"; PolyPhen-2: "Benign"; Align-GVGD: "Not Available". The serine amino acid residue is found in multiple mammalian species, which suggests that this missense change does not adversely affect protein function. ClinVar contains an entry for this variant (Variation ID: 1371499). This variant has not been reported in the literature in individuals affected with TUBGCP6-related conditions. This variant is present in population databases (no rsID available, gnomAD 0.005%). This sequence change replaces proline, which is neutral and non-polar, with serine, which is neutral and polar, at codon 866 of the TUBGCP6 protein (p.Pro866Ser).

NM_020461.4(TUBGCP6):c.2596C>T (p.Pro866Ser)

Gene: TUBGCP6 (tubulin gamma complex component 6; minus strand). Cytogenetic location: 22q13.33.
Variant type: single nucleotide variant.
Coding change: c.2596C>T on transcript NM_020461.4 (MANE Select); coding-DNA position 2596, C replaced by T.
Protein change: p.Pro866Ser; replaces proline 866 with serine.
Molecular consequence: missense variant.
Genome position (GRCh38, 1-based): chr22:50,221,763, G>A on the plus strand (C>T on the coding strand, the complement: TUBGCP6 is on the minus strand). VCF-style: chr22-50221763-G-A. GRCh37 (hg19) VCF-style: chr22-50660192-G-A.
Other names: short protein forms P866S.
Identifiers: ClinVar variation 1371499 (VCV001371499.8), dbSNP rs1331941025, ClinGen allele CA412097247.